The following is an entry in ClinVar:

NM_000218.3(KCNQ1):c.622del (p.Ala208fs)

Gene: KCNQ1 (potassium voltage-gated channel subfamily Q member 1; plus strand). Cytogenetic location: 11p15.5.
Variant type: Deletion.
Coding change: c.622del on transcript NM_000218.3 (MANE Select); coding-DNA position 622, one base deleted (G; older notation c.622delG).
Protein change: p.Ala208fs; shifts the reading frame from alanine 208.
Molecular consequence: frameshift variant.
Genome position (GRCh38, 1-based): chr11:2,571,342, G deleted; the last of 2 consecutive G bases (chr11:2,571,341-2,571,342); deleting either gives the same sequence. VCF-style (leftmost placement, unchanged base first): chr11-2571340-TG-T. GRCh37 (hg19) VCF-style: chr11-2592570-TG-T.
Other names: c.622delG, p.Ala208Profs (NM_001406836.1); c.352delG, p.Ala118Profs (NM_001406837.1); c.241delG, p.Ala81Profs (NM_181798.2); short protein forms A208fs, A81fs.
Identifiers: ClinVar variation 420529 (VCV000420529.4), dbSNP rs1064794538, ClinGen allele CA16619309.

ClinVar aggregate classification (germline): Likely pathogenic (1 of 4 stars; one submission).

Submission:

GeneDx
Classification: Likely pathogenic. Last evaluated: 2016-02-18. Review status: criteria provided, single submitter. Criteria: GeneDx Variant Classification (06012015). Collection method: clinical testing. Allele origin: germline. Affected: yes.
Comment: Although the c.622delG likely pathogenic variant in the KCNQ1 gene has not been reported to our knowledge, this variant causes a shift in reading frame starting at codon Alanine 208, changing it to a Proline, and creating a premature stop codon at position 29 of the new reading frame, denoted p.Ala208ProfsX29. This variant is expected to result in either an abnormal, truncated protein product or loss of protein from this allele through nonsense-mediated mRNA decay. Other frameshift variants in the KCNQ1 gene have been reported in HGMD in association with LQTS (Stenson et al., 2014). Furthermore, the c.622delG variant was not observed in approximately 6,500 individuals of European and African American ancestry in the NHLBI Exome Sequencing Project, indicating it is not a common benign variant in these populations.